The following is an entry in ClinVar:

NM_001282225.2(ADA2):c.1081+1G>T

Gene: ADA2 (adenosine deaminase 2; minus strand). Cytogenetic location: 22q11.1.
Variant type: single nucleotide variant.
Coding change: c.1081+1G>T on transcript NM_001282225.2 (MANE Select); the canonical splice donor site of the intron after coding-DNA position 1081, G replaced by T.
Molecular consequence: splice donor variant.
Genome position (GRCh38, 1-based): chr22:17,188,338, C>A on the plus strand (G>T on the coding strand, the complement: ADA2 is on the minus strand). VCF-style: chr22-17188338-C-A. GRCh37 (hg19) VCF-style: chr22-17669228-C-A.
Other names: c.955+1G>T (NM_001282227.2, NM_001282228.2); c.721+1G>T (NM_001282229.2); c.1081+1G>T (NM_001282226.2, NM_001282225.1); c.358+1G>T (NM_177405.3).
Identifiers: ClinVar variation 1474288 (VCV001474288.9), dbSNP rs1300843648, ClinGen allele CA410233159.
Genomic context (GRCh38, chr22:17,188,338, plus strand): 5'-GTGGCCAGGAGCTCTCCCATTGACCACCTCCGCTGCCTCTGCTCGCATCCCGCAGGCTCA[C>A]CTGTTTCTCCGGCGTGGAAGAAGTAAGGCAGCTTAACGCCATCCTTGGCGGGGATCATCA-3'

ClinVar aggregate classification (germline): Likely pathogenic. Review status: criteria provided, single submitter (1 of 4 stars). 2 submissions from 2 submitters: Likely pathogenic (1). 1 of the submissions does not count toward it. Last evaluated 2024-10-24.

Conditions:
Deficiency of adenosine deaminase 2. Also called: Polyarteritis nodosa, childhoood-onset; VASCULITIS, AUTOINFLAMMATION, IMMUNODEFICIENCY, AND HEMATOLOGIC DEFECTS SYNDROME; Adenosine Deaminase 2 Deficiency. Identifiers: Orphanet 404553, MedGen C3887654, MONDO:0014306, OMIM 615688, MONDO:0100317.
ADA2-related disorder. Also called: ADA2-related condition.

Allele frequency attached by ClinVar (database versions not stated): gnomAD exomes below 0.00001.

Submissions (2):

Labcorp Genetics (formerly Invitae), Labcorp
Classification: Likely pathogenic for Deficiency of adenosine deaminase 2. Last evaluated: 2024-10-24. Review status: criteria provided, single submitter. Criteria: Invitae Variant Classification Sherloc (09022015). Collection method: clinical testing. Allele origin: germline.
Comment: This sequence change affects a donor splice site in intron 7 of the ADA2 gene. It is expected to disrupt RNA splicing. Variants that disrupt the donor or acceptor splice site typically lead to a loss of protein function (PMID: 16199547), and loss-of-function variants in ADA2 are known to be pathogenic (PMID: 24552284, 24552285). This variant is present in population databases (no rsID available, gnomAD 0.003%). This variant has not been reported in the literature in individuals affected with ADA2-related conditions. ClinVar contains an entry for this variant (Variation ID: 1474288). Algorithms developed to predict the effect of sequence changes on RNA splicing suggest that this variant may disrupt the consensus splice site. In summary, the currently available evidence indicates that the variant is pathogenic, but additional data are needed to prove that conclusively. Therefore, this variant has been classified as Likely Pathogenic.

PreventionGenetics, part of Exact Sciences
Classification: Likely pathogenic for ADA2-related condition. Last evaluated: 2024-09-24. Review status: no assertion criteria provided. Collection method: clinical testing. Allele origin: germline. Not counted in ClinVar's aggregate classification.
Comment: The ADA2 c.1081+1G>T variant is predicted to disrupt the GT donor site and interfere with normal splicing. To our knowledge, this variant has not been reported in the literature. This variant is reported in 0.0029% of alleles in individuals of Latino descent in gnomAD. Variants that disrupt the consensus splice donor site in ADA2 are expected to be pathogenic. This variant is interpreted as likely pathogenic.

Literature cited by the submitters: PubMed 16199547 (cited by Labcorp Genetics (formerly Invitae), Labcorp); PubMed 24552284 (cited by Labcorp Genetics (formerly Invitae), Labcorp); PubMed 24552285 (cited by Labcorp Genetics (formerly Invitae), Labcorp).